The following is an entry in ClinVar:

ClinVar aggregate classification (germline): Conflicting classifications of pathogenicity. Review status: criteria provided, conflicting classifications (1 of 4 stars). 6 submissions from 6 submitters: Uncertain significance (5); Likely benign (1). Last evaluated 2025-03-04.

Conditions:
Malignant hyperthermia, susceptibility to, 5 (MHS5). Also called: CACNA1S-Related Malignant Hyperthermia Susceptibility. Identifiers: Orphanet 423, MedGen C1866077, MONDO:0011163, OMIM 601887.
Congenital myopathy 18. Also called: Myopathy, congenital, due to dihydropyridine receptor defect; DIHYDROPYRIDINE RECEPTOR CONGENITAL MYOPATHY; DHPR CONGENITAL MYOPATHY. Identifiers: MedGen C5830283, MONDO:0859514, OMIM 620246.
Hypokalemic periodic paralysis, type 1. Also called: HypoPP; Hypokalemic Periodic Paralysis Type 1 (AD). Identifiers: Orphanet 681, MedGen C3714580, MONDO:0042979, OMIM 170400.
Thyrotoxic periodic paralysis, susceptibility to, 1 (TTPP1). Identifiers: Orphanet 79102, MedGen C2749982, MONDO:0008570, OMIM 188580.
Inborn genetic diseases. Identifiers: MedGen C0950123, MeSH D030342.

Allele frequency attached by ClinVar (database versions not stated): ExAC 0.00001; gnomAD 0.00001; gnomAD exomes 0.00001; TOPMed 0.00002.

Submissions (6):

Labcorp Genetics (formerly Invitae), Labcorp
Classification: Likely benign for Hypokalemic periodic paralysis, type 1; Malignant hyperthermia, susceptibility to, 5. Last evaluated: 2025-03-04. Review status: criteria provided, single submitter. Criteria: Invitae Variant Classification Sherloc (09022015). Collection method: clinical testing. Allele origin: germline.

Ambry Genetics
Classification: Uncertain significance for Inborn genetic diseases. Last evaluated: 2025-01-01. Review status: criteria provided, single submitter. Criteria: Ambry Variant Classification Scheme 2023. Collection method: clinical testing. Allele origin: germline.

All of Us Research Program, National Institutes of Health
Classification: Uncertain significance for Malignant hyperthermia, susceptibility to, 5. Last evaluated: 2024-07-29. Review status: criteria provided, single submitter. Criteria: ACMG Guidelines, 2015. Collection method: clinical testing. Allele origin: germline. Inheritance: Autosomal dominant inheritance. Observed: 6 variant alleles, 6 heterozygotes.
Comment: This missense variant replaces arginine with cysteine at codon 1038 of the CACNA1S protein. Computational prediction suggests that this variant may have deleterious impact on protein structure and function (internally defined REVEL score threshold >= 0.7, PMID: 27666373). To our knowledge, functional studies have not been reported for this variant. This variant has not been reported in individuals affected with CACNA1S-related disorders in the literature. This variant has been identified in 6/282834 chromosomes in the general population by the Genome Aggregation Database (gnomAD). The available evidence is insufficient to determine the role of this variant in disease conclusively. Therefore, this variant is classified as a Variant of Uncertain Significance.

This study involves interpretation of variants in research participants for the purpose of population health screening. Participant phenotype was not available at the time of variant classification. Additional details can be found in publication PMID: 35346344, PMCID: PMC8962531

Color Diagnostics, LLC DBA Color Health
Classification: Uncertain significance for Malignant hyperthermia, susceptibility to, 5. Last evaluated: 2024-07-18. Review status: criteria provided, single submitter. Criteria: ACMG Guidelines, 2015. Collection method: clinical testing. Allele origin: germline.
Comment: This missense variant replaces arginine with cysteine at codon 1038 of the CACNA1S protein. Computational prediction suggests that this variant may have deleterious impact on protein structure and function. To our knowledge, functional studies have not been reported for this variant. This variant has not been reported in individuals affected with CACNA1S-related disorders in the literature. This variant has been identified in 6/282834 chromosomes in the general population by the Genome Aggregation Database (gnomAD). The available evidence is insufficient to determine the role of this variant in disease conclusively. Therefore, this variant is classified as a Variant of Uncertain Significance.

Fulgent Genetics
Classification: Uncertain significance for Hypokalemic periodic paralysis, type 1; Thyrotoxic periodic paralysis, susceptibility to, 1; Malignant hyperthermia, susceptibility to, 5; Congenital myopathy 18. Last evaluated: 2024-06-24. Review status: criteria provided, single submitter. Criteria: ACMG Guidelines, 2015. Collection method: clinical testing. Allele origin: germline.

Revvity Omics, Revvity
Classification: Uncertain significance. Last evaluated: 2023-07-17. Review status: criteria provided, single submitter. Criteria: ACMG Guidelines, 2015. Collection method: clinical testing. Allele origin: germline.

NM_000069.3(CACNA1S):c.3112C>T (p.Arg1038Cys)

Gene: CACNA1S (calcium voltage-gated channel subunit alpha1 S; minus strand). Cytogenetic location: 1q32.1.
Variant type: single nucleotide variant.
Coding change: c.3112C>T on transcript NM_000069.3 (MANE Select); coding-DNA position 3112, C replaced by T.
Protein change: p.Arg1038Cys; replaces arginine 1038 with cysteine.
Molecular consequence: missense variant.
Genome position (GRCh38, 1-based): chr1:201,061,410, G>A on the plus strand (C>T on the coding strand, the complement: CACNA1S is on the minus strand). VCF-style: chr1-201061410-G-A. GRCh37 (hg19) VCF-style: chr1-201030538-G-A.
Other names: c.3112C>T (NM_000069.2); short protein forms R1038C.
Identifiers: ClinVar variation 2195332 (VCV002195332.11), dbSNP rs1473668614, ClinGen allele CA1321809.